The following is an entry in ClinVar:

NM_000494.4(COL17A1):c.2821+1G>C

Gene: COL17A1 (collagen type XVII alpha 1 chain; minus strand). Cytogenetic location: 10q25.1.
Variant type: single nucleotide variant.
Coding change: c.2821+1G>C on transcript NM_000494.4 (MANE Select); the canonical splice donor site of the intron after coding-DNA position 2821, G replaced by C.
Molecular consequence: splice donor variant.
Genome position (GRCh38, 1-based): chr10:104,039,607, C>G on the plus strand (G>C on the coding strand, the complement: COL17A1 is on the minus strand). VCF-style: chr10-104039607-C-G. GRCh37 (hg19) VCF-style: chr10-105799365-C-G.
Identifiers: ClinVar variation 3020800 (VCV003020800.3), dbSNP rs752849283, ClinGen allele CA5678240.

ClinVar aggregate classification (germline): Likely pathogenic (1 of 4 stars; one submission).

Allele frequency attached by ClinVar (database versions not stated): ExAC 0.00003.
gnomAD v4.1: 11 of 1,614,142 alleles (0.00068%); highest among the groups gnomAD compares: South Asian, 0.0099%; no homozygotes.

Submission:

Labcorp Genetics (formerly Invitae), Labcorp
Classification: Likely pathogenic. Last evaluated: 2023-06-03. Review status: criteria provided, single submitter. Criteria: Invitae Variant Classification Sherloc (09022015). Collection method: clinical testing. Allele origin: germline.
Comment: Algorithms developed to predict the effect of sequence changes on RNA splicing suggest that this variant may disrupt the consensus splice site. In summary, the currently available evidence indicates that the variant is pathogenic, but additional data are needed to prove that conclusively. Therefore, this variant has been classified as Likely Pathogenic. This sequence change affects a donor splice site in intron 42 of the COL17A1 gene. It is expected to disrupt RNA splicing. Variants that disrupt the donor or acceptor splice site typically lead to a loss of protein function (PMID: 16199547), and loss-of-function variants in COL17A1 are known to be pathogenic (PMID: 16473856, 17344927, 20301304, 21357940, 24319098). This variant is present in population databases (rs752849283, gnomAD 0.02%). This variant has not been reported in the literature in individuals affected with COL17A1-related conditions.

Literature cited by the submitters: PubMed 16199547; PubMed 16473856; PubMed 17344927; PubMed 20301304; PubMed 21357940; PubMed 24319098.